The following is an entry in ClinVar:

ClinVar aggregate classification (germline): Uncertain significance (1 of 4 stars; one submission).

Conditions:
TP63-Related Spectrum Disorders.

Submission:

Labcorp Genetics (formerly Invitae), Labcorp
Classification: Uncertain significance. Last evaluated: 2022-09-04. Review status: criteria provided, single submitter. Criteria: Invitae Variant Classification Sherloc (09022015). Collection method: clinical testing. Allele origin: germline.
Comment: This sequence change replaces glutamic acid, which is acidic and polar, with lysine, which is basic and polar, at codon 48 of the TP63 protein (p.Glu48Lys). This variant is not present in population databases (gnomAD no frequency). This variant has not been reported in the literature in individuals affected with TP63-related conditions. Algorithms developed to predict the effect of missense changes on protein structure and function (SIFT, PolyPhen-2, Align-GVGD) all suggest that this variant is likely to be tolerated. In summary, the available evidence is currently insufficient to determine the role of this variant in disease. Therefore, it has been classified as a Variant of Uncertain Significance.

NM_003722.5(TP63):c.142G>A (p.Glu48Lys)

Gene: TP63 (tumor protein p63; plus strand). Cytogenetic location: 3q28.
Variant type: single nucleotide variant.
Coding change: c.142G>A on transcript NM_003722.5 (MANE Select); coding-DNA position 142, G replaced by A.
Protein change: p.Glu48Lys; replaces glutamic acid 48 with lysine.
Molecular consequence: missense variant.
Genome position (GRCh38, 1-based): chr3:189,737,819, G>A. VCF-style: chr3-189737819-G-A. GRCh37 (hg19) VCF-style: chr3-189455608-G-A.
Other names: c.142G>A, p.Glu48Lys (NM_001114978.2, NM_001114979.2, NM_001329144.2 and 1 more transcripts); c.136G>A, p.Glu46Lys (NM_001329964.2); short protein forms E46K, E48K.
Identifiers: ClinVar variation 1718839 (VCV001718839.4), dbSNP rs2474131954, ClinGen allele CA355858944.